The following is an entry in ClinVar:

ClinVar aggregate classification (germline): Uncertain significance (1 of 4 stars; one submission).

Conditions:
Autosomal recessive limb-girdle muscular dystrophy type 2O. Also called: Limb-Girdle Muscular Dystrophy Type 3C; MUSCULAR DYSTROPHY-DYSTROGLYCANOPATHY (LIMB-GIRDLE), TYPE C, 3; MUSCULAR DYSTROPHY-DYSTROGLYCANOPATHY, LIMB-GIRDLE, POMGNT1-RELATED. Identifiers: Orphanet 206564, MedGen C3150417, MONDO:0013161, OMIM 613157.
Muscular dystrophy-dystroglycanopathy (congenital with impaired intellectual development), type B, 3. Also called: Muscular dystrophy-dystroglycanopathy (congenital with intellectual disability), type B3; MUSCULAR DYSTROPHY, CONGENITAL, POMGNT1-RELATED. Identifiers: MedGen C3150412, MONDO:0013155, OMIM 613151.

Submission:

Labcorp Genetics (formerly Invitae), Labcorp
Classification: Uncertain significance for Autosomal recessive limb-girdle muscular dystrophy type 2O; Muscular dystrophy-dystroglycanopathy (congenital with impaired intellectual development), type B, 3. Last evaluated: 2022-05-20. Review status: criteria provided, single submitter. Criteria: Invitae Variant Classification Sherloc (09022015). Collection method: clinical testing. Allele origin: germline.
Comment: In summary, the available evidence is currently insufficient to determine the role of this variant in disease. Therefore, it has been classified as a Variant of Uncertain Significance. Advanced modeling of protein sequence and biophysical properties (such as structural, functional, and spatial information, amino acid conservation, physicochemical variation, residue mobility, and thermodynamic stability) performed at Invitae indicates that this missense variant is expected to disrupt POMGNT1 protein function. This variant has not been reported in the literature in individuals affected with POMGNT1-related conditions. This variant is not present in population databases (gnomAD no frequency). This sequence change replaces phenylalanine, which is neutral and non-polar, with leucine, which is neutral and non-polar, at codon 380 of the POMGNT1 protein (p.Phe380Leu).

NM_017739.4(POMGNT1):c.1140C>A (p.Phe380Leu)

Genes: POMGNT1 (protein O-linked mannose N-acetylglucosaminyltransferase 1 (beta 1,2-); minus strand), TSPAN1 (tetraspanin 1; plus strand). Cytogenetic location: 1p34.1.
Variant type: single nucleotide variant.
Coding change: c.1140C>A on transcript NM_017739.4 (MANE Select); coding-DNA position 1140, C replaced by A.
Protein change: p.Phe380Leu; replaces phenylalanine 380 with leucine.
Molecular consequence: missense variant.
Genome position (GRCh38, 1-based): chr1:46,193,186, G>T on the plus strand (C>A on the coding strand, the complement: POMGNT1 is on the minus strand). VCF-style: chr1-46193186-G-T. GRCh37 (hg19) VCF-style: chr1-46658858-G-T.
Other names: c.1140C>A, p.Phe380Leu (NM_001243766.2, NM_001410783.1); c.1074C>A, p.Phe358Leu (NM_001290129.3); c.711C>A, p.Phe237Leu (NM_001290130.2); short protein forms F237L, F358L, F380L.
Identifiers: ClinVar variation 2135960 (VCV002135960.4), dbSNP rs1657925577, ClinGen allele CA340179412.